The following is an entry in ClinVar:

ClinVar aggregate classification (germline): Uncertain significance (1 of 4 stars; one submission).

Submission:

Labcorp Genetics (formerly Invitae), Labcorp
Classification: Uncertain significance. Last evaluated: 2022-07-25. Review status: criteria provided, single submitter. Criteria: Invitae Variant Classification Sherloc (09022015). Collection method: clinical testing. Allele origin: germline.
Comment: In summary, the available evidence is currently insufficient to determine the role of this variant in disease. Therefore, it has been classified as a Variant of Uncertain Significance. Algorithms developed to predict the effect of missense changes on protein structure and function (SIFT, PolyPhen-2, Align-GVGD) all suggest that this variant is likely to be disruptive. This variant has not been reported in the literature in individuals affected with EYS-related conditions. This variant is not present in population databases (gnomAD no frequency). This sequence change replaces glycine, which is neutral and non-polar, with aspartic acid, which is acidic and polar, at codon 2112 of the EYS protein (p.Gly2112Asp).

NM_001142800.2(EYS):c.6335G>A (p.Gly2112Asp)

Gene: EYS (EGF-like photoreceptor maintenance factor; minus strand). Cytogenetic location: 6q12.
Variant type: single nucleotide variant.
Coding change: c.6335G>A on transcript NM_001142800.2 (MANE Select); coding-DNA position 6335, G replaced by A.
Protein change: p.Gly2112Asp; replaces glycine 2112 with aspartic acid.
Molecular consequence: missense variant.
Genome position (GRCh38, 1-based): chr6:64,230,681, C>T on the plus strand (G>A on the coding strand, the complement: EYS is on the minus strand). VCF-style: chr6-64230681-C-T. GRCh37 (hg19) VCF-style: chr6-64940574-C-T.
Other names: c.6335G>A, p.Gly2112Asp (NM_001292009.2); short protein forms G2112D.
Identifiers: ClinVar variation 2160478 (VCV002160478.4), dbSNP rs2533946654, ClinGen allele CA364391328.
Genomic context (GRCh38, chr6:64,230,681, plus strand): 5'-AGTGGACAGTCACATTGGAATGACACTATGCCACTGGAGAGGAAGATGGCATGGCATGTG[C>T]CTCCATTGTGGCATACATCCTGCTGGCACACAGAGGGTGCTGCAACAGAGGGGCTGACAG-3'
Protein context (NP_001136272.1, residues 2102-2122): VCQQDVCHNG[Gly2112Asp]TCHAIFLSSG